The following is an entry in ClinVar:

NM_003839.4(TNFRSF11A):c.1396C>T (p.Arg466Cys)

Gene: TNFRSF11A (TNF receptor superfamily member 11a; plus strand). Cytogenetic location: 18q21.33.
Variant type: single nucleotide variant.
Coding change: c.1396C>T on transcript NM_003839.4 (MANE Select); coding-DNA position 1396, C replaced by T.
Protein change: p.Arg466Cys; replaces arginine 466 with cysteine.
Molecular consequence: missense variant. On other transcripts: intron variant (3).
Genome position (GRCh38, 1-based): chr18:62,369,313, C>T. VCF-style: chr18-62369313-C-T. GRCh37 (hg19) VCF-style: chr18-60036546-C-T.
Other names: c.1396C>T (NM_003839.2); c.1354C>T, p.Arg452Cys (NM_001278268.2); c.783+2553C>T (NM_001270949.2); c.730+7520C>T (NM_001270950.2); c.616+9264C>T (NM_001270951.2); short protein forms R452C, R466C.
Identifiers: ClinVar variation 1421170 (VCV001421170.9), dbSNP rs376539154, ClinGen allele CA8983959.

ClinVar aggregate classification (germline): Uncertain significance. Review status: criteria provided, multiple submitters, no conflicts (2 of 4 stars). 3 submissions from 3 submitters: Uncertain significance (3). Last evaluated 2026-01-22.

Conditions:
Inborn genetic diseases. Identifiers: MedGen C0950123, MeSH D030342.

Allele frequency attached by ClinVar (database versions not stated): gnomAD 0.00003 and 0.00004; gnomAD exomes 0.00004 and 0.00005; ExAC 0.00005; TOPMed 0.00003; ESP Exome Variant Server 0.00008.
gnomAD v4.1: 57 of 1,610,388 alleles (0.0035%); highest among the groups gnomAD compares: East Asian, 0.036%; no homozygotes.

Submissions (3):

Labcorp Genetics (formerly Invitae), Labcorp
Classification: Uncertain significance. Last evaluated: 2026-01-22. Review status: criteria provided, single submitter. Criteria: Invitae Variant Classification Sherloc (09022015). Collection method: clinical testing. Allele origin: germline.
Comment: This sequence change replaces arginine, which is basic and polar, with cysteine, which is neutral and slightly polar, at codon 466 of the TNFRSF11A protein (p.Arg466Cys). This variant is present in population databases (rs376539154, gnomAD 0.02%). This variant has not been reported in the literature in individuals affected with TNFRSF11A-related conditions. ClinVar contains an entry for this variant (Variation ID: 1421170). An algorithm developed to predict the effect of missense changes on protein structure and function outputs the following: PolyPhen-2: "Benign". The cysteine amino acid residue is found in multiple mammalian species, which suggests that this missense change does not adversely affect protein function. In summary, the available evidence is currently insufficient to determine the role of this variant in disease. Therefore, it has been classified as a Variant of Uncertain Significance.

Ambry Genetics
Classification: Uncertain significance for Inborn genetic diseases. Last evaluated: 2025-06-24. Review status: criteria provided, single submitter. Criteria: Ambry Variant Classification Scheme 2023. Collection method: clinical testing. Allele origin: germline.

GeneDx
Classification: Uncertain significance. Last evaluated: 2022-12-18. Review status: criteria provided, single submitter. Criteria: GeneDx Variant Classification Process June 2021. Collection method: clinical testing. Allele origin: germline. Affected: yes.
Comment: In silico analysis supports that this missense variant does not alter protein structure/function; Has not been previously published as pathogenic or benign to our knowledge